The following is an entry in ClinVar:

ClinVar aggregate classification (germline): Uncertain significance (1 of 4 stars; one submission).

gnomAD v4.1: 1 of 1,613,980 alleles (0.000062%); highest among the groups gnomAD compares: African/African-American, 0.0013%; no homozygotes.

Submission:

GeneDx
Classification: Uncertain significance. Last evaluated: 2024-05-07. Review status: criteria provided, single submitter. Criteria: GeneDx Variant Classification Process June 2021. Collection method: clinical testing. Allele origin: germline. Affected: yes.
Comment: Has not been previously published as pathogenic or benign to our knowledge; Nonsense variant predicted to result in protein truncation as the last 394 amino acids are lost in a gene for which loss-of-function is not an established mechanism of disease

NM_002235.5(KCNA6):c.406G>T (p.Glu136Ter)

Genes: KCNA6 (potassium voltage-gated channel subfamily A member 6; plus strand), KCNA6-AS1 (KCNA6 antisense RNA 1; minus strand). Cytogenetic location: 12p13.32.
Variant type: single nucleotide variant.
Coding change: c.406G>T on transcript NM_002235.5 (MANE Select); coding-DNA position 406, G replaced by T.
Protein change: p.Glu136Ter; replaces glutamic acid 136 with a stop codon.
Molecular consequence: nonsense. On other transcripts: non-coding transcript variant (3).
Genome position (GRCh38, 1-based): chr12:4,810,447, G>T. VCF-style: chr12-4810447-G-T. GRCh37 (hg19) VCF-style: chr12-4919613-G-T.
Other names: short protein forms E136*.
Identifiers: ClinVar variation 3375911 (VCV003375911.1).
Genomic context (GRCh38, chr12:4,810,447, plus strand): 5'-ATTTTCCTGGAGGAGATCCGCTTCTACCAGCTGGGGGACGAGGCCCTGGCGGCCTTCCGG[G>T]AGGACGAGGGCTGCCTGCCCGAAGGTGGCGAGGACGAGAAGCCGCTGCCCTCCCAGCCCT-3'